The following is an entry in ClinVar:

NM_022089.4(ATP13A2):c.1510G>C (p.Gly504Arg)

Gene: ATP13A2 (ATPase cation transporting 13A2; minus strand). Cytogenetic location: 1p36.13.
Variant type: single nucleotide variant.
Coding change: c.1510G>C on transcript NM_022089.4 (MANE Select); coding-DNA position 1510, G replaced by C.
Protein change: p.Gly504Arg; replaces glycine 504 with arginine.
Molecular consequence: missense variant.
Genome position (GRCh38, 1-based): chr1:16,996,008, C>G on the plus strand (G>C on the coding strand, the complement: ATP13A2 is on the minus strand). VCF-style: chr1-16996008-C-G. GRCh37 (hg19) VCF-style: chr1-17322503-C-G.
Other names: c.1495G>C, p.Gly499Arg (NM_001141973.3, NM_001141974.3); short protein forms G504R, G499R.
Identifiers: ClinVar variation 1221 (VCV000001221.13), dbSNP rs121918227, ClinGen allele CA251716.

ClinVar aggregate classification (germline): Pathogenic/Likely pathogenic. Review status: criteria provided, multiple submitters, no conflicts (2 of 4 stars). 7 submissions from 7 submitters: Pathogenic (1); Likely pathogenic (4). 2 of the submissions do not count toward it. Last evaluated 2025-10-10.

Conditions:
Autosomal recessive spastic paraplegia type 78. Identifiers: Orphanet 513436, MedGen C5567893, MONDO:0014975, OMIM 617225.
Kufor-Rakeb syndrome (KRS). Also called: PARKINSON DISEASE 9, AUTOSOMAL RECESSIVE, JUVENILE-ONSET. Identifiers: Orphanet 306674, Orphanet 314632, MedGen C1847640, MONDO:0011706, OMIM 606693.
Neurodegeneration with brain iron accumulation (NBIA). Identifiers: Orphanet 385, MedGen C2931845, MONDO:0018307.

Allele frequency attached by ClinVar (database versions not stated): TOPMed below 0.00001.

Submissions (7):

OLLIN Analises Genomicas, OLLIN
Classification: Likely pathogenic for Autosomal recessive spastic paraplegia type 78. Last evaluated: 2025-10-10. Review status: criteria provided, single submitter. Criteria: ACMG Guidelines 2015 PMID 25741868. Collection method: clinical testing. Allele origin: germline. Affected: yes. Observed: 1 variant allele.
Comment: The missense variant (chr1:16996008C>G), located in exon 15 (of 29), is reported in ClinVar (VCV000001221.12), in gnomAD v4.1 non-UKB with an allele frequency of 0.00016%, and in the scientific literature in individuals with spastic paraplegia and Kufor-Rakeb syndrome (PMID: 22768177, 22847264, 23499937, 39023817, 40799219, 38249738). Functional studies suggest that this variant affects protein function (PMID: 22768177, 22847264, 23499937) and in silico analysis predicts a deleterious effect. Based on the currently available evidence, this variant has been classified as likely pathogenic (PS3_M, PS4_M, PM2_P, PM3, PP3).

Women's Health and Genetics/Laboratory Corporation of America, LabCorp
Classification: Likely pathogenic for Neurodegeneration with brain iron accumulation. Last evaluated: 2024-08-22. Review status: criteria provided, single submitter. Criteria: LabCorp Variant Classification Summary - May 2015. Collection method: clinical testing. Allele origin: germline.
Comment: Variant summary: ATP13A2 c.1510G>C (p.Gly504Arg) results in a non-conservative amino acid change located in the P-type ATPase, haloacid dehalogenase domain (IPR044492) of the encoded protein sequence. Three of five in-silico tools predict a damaging effect of the variant on protein function. The variant was absent in 251098 control chromosomes (gnomAD). c.1510G>C has been reported in the literature in individuals affected with parkinsonism (Montaut_2018, Chien_2021). These data indicate that the variant is likely to be associated with disease. At least three publications reported experimental evidence evaluating an impact on protein function and this variant disrupted protein function (Covy_2012, Podhajska_2012, Matsui_2013). The following publications have been ascertained in the context of this evaluation (PMID: 34475127, 22847264, 23499937, 29913018, 22768177). ClinVar contains an entry for this variant (Variation ID: 1221). Based on the evidence outlined above, the variant was classified as likely pathogenic.

Labcorp Genetics (formerly Invitae), Labcorp
Classification: Likely pathogenic for Kufor-Rakeb syndrome; Autosomal recessive spastic paraplegia type 78. Last evaluated: 2023-03-14. Review status: criteria provided, single submitter. Criteria: Invitae Variant Classification Sherloc (09022015). Collection method: clinical testing. Allele origin: germline.
Comment: This sequence change replaces glycine, which is neutral and non-polar, with arginine, which is basic and polar, at codon 504 of the ATP13A2 protein (p.Gly504Arg). In summary, the currently available evidence indicates that the variant is pathogenic, but additional data are needed to prove that conclusively. Therefore, this variant has been classified as Likely Pathogenic. Experimental studies have shown that this missense change affects ATP13A2 function (PMID: 22768177, 22847264, 23499937). Advanced modeling of protein sequence and biophysical properties (such as structural, functional, and spatial information, amino acid conservation, physicochemical variation, residue mobility, and thermodynamic stability) performed at Invitae indicates that this missense variant is not expected to disrupt ATP13A2 protein function. ClinVar contains an entry for this variant (Variation ID: 1221). This missense change has been observed in individuals with clinical features of Kufor-Rakeb syndrome or hereditary spastic paraplegia (PMID: 17485642; Invitae). This variant is not present in population databases (gnomAD no frequency).

Department of Pathology and Laboratory Medicine, Sinai Health System
Classification: Likely pathogenic for Autosomal recessive spastic paraplegia type 78; Kufor-Rakeb syndrome. Last evaluated: 2023-03-01. Review status: criteria provided, single submitter. Criteria: ACMG Guidelines, 2015. Collection method: research. Allele origin: germline.

Mendelics
Classification: Pathogenic for Kufor-Rakeb syndrome. Last evaluated: 2022-05-04. Review status: criteria provided, single submitter. Criteria: Mendelics Assertion Criteria 2019. Collection method: clinical testing. Allele origin: germline.

OMIM
Classification: Pathogenic for KUFOR-RAKEB SYNDROME. Last evaluated: 2007-05-08. Review status: no assertion criteria provided. Collection method: literature only. Allele origin: germline. Not counted in ClinVar's aggregate classification.

Laboratorio de Genetica e Diagnostico Molecular, Hospital Israelita Albert Einstein
Classification: Uncertain significance. Last evaluated: 2019-10-04. Review status: flagged submission. Criteria: ACMG Guidelines, 2015. Collection method: clinical testing. Allele origin: germline. Affected: yes. Not counted in ClinVar's aggregate classification.
Comment: ACMG classification criteria: PM2, PP3
ClinVar note: Reason: Outlier claim with insufficient supporting evidence

Literature cited by the submitters: PubMed 22768177 (cited by 3 submitters); PubMed 22847264 (cited by 3 submitters); PubMed 23499937 (cited by 3 submitters); PubMed 39023817 (cited by OLLIN Analises Genomicas, OLLIN); PubMed 40799219 (cited by OLLIN Analises Genomicas, OLLIN); PubMed 38249738 (cited by OLLIN Analises Genomicas, OLLIN); PubMed 29913018 (cited by Women's Health and Genetics/Laboratory Corporation of America, LabCorp); PubMed 34475127 (cited by Women's Health and Genetics/Laboratory Corporation of America, LabCorp); PubMed 17485642 (cited by Labcorp Genetics (formerly Invitae), Labcorp and OMIM).